The following is an entry in ClinVar:

NM_020708.5(SLC12A5):c.2735G>A (p.Arg912His)

Gene: SLC12A5 (solute carrier family 12 member 5; plus strand). Cytogenetic location: 20q13.12.
Variant type: single nucleotide variant.
Coding change: c.2735G>A on transcript NM_020708.5 (MANE Select); coding-DNA position 2735, G replaced by A.
Protein change: p.Arg912His; replaces arginine 912 with histidine.
Molecular consequence: missense variant.
Genome position (GRCh38, 1-based): chr20:46,054,971, G>A. VCF-style: chr20-46054971-G-A. GRCh37 (hg19) VCF-style: chr20-44683610-G-A.
Other names: c.2804G>A, p.Arg935His (NM_001134771.2); short protein forms R912H, R935H.
Identifiers: ClinVar variation 1417743 (VCV001417743.29), dbSNP rs764216462, ClinGen allele CA9887689.
Genomic context (GRCh38, chr20:46,054,971, plus strand): 5'-CACAGCATGAGAGCGACATCTCAGCTTACACCTATGAGAAGACGTTGGTGATGGAGCAGC[G>A]TTCCCAGATCCTCAAACAGATGCATTTAACCAAGAATGAGCGGGAGCGGGAGGTGAGGTT-3'
Protein context (NP_065759.1, residues 902-922): TYEKTLVMEQ[Arg912His]SQILKQMHLT

ClinVar aggregate classification (germline): Uncertain significance. Review status: criteria provided, multiple submitters, no conflicts (2 of 4 stars). 3 submissions from 3 submitters: Uncertain significance (3). Last evaluated 2023-12-11.

Conditions:
Developmental and epileptic encephalopathy, 34 (DEE34). Also called: SLC12A5-Related Epilepsy of Infancy with Migrating Focal Seizures; Early infantile epileptic encephalopathy 34. Identifiers: Orphanet 293181, MedGen C4225257, MONDO:0014718, OMIM 616645.
Epilepsy, idiopathic generalized, susceptibility to, 14 (EIG14). Identifiers: MedGen C4225245, MONDO:0014734, OMIM 616685.

Allele frequency attached by ClinVar (database versions not stated): ExAC 0.00001; gnomAD exomes 0.00001 and 0.00002.
gnomAD v4.1: 35 of 1,613,982 alleles (0.0022%); highest among the groups gnomAD compares: East Asian, 0.0045%; no homozygotes.

Submissions (3):

Labcorp Genetics (formerly Invitae), Labcorp
Classification: Uncertain significance for Developmental and epileptic encephalopathy, 34. Last evaluated: 2023-12-11. Review status: criteria provided, single submitter. Criteria: Invitae Variant Classification Sherloc (09022015). Collection method: clinical testing. Allele origin: germline.
Comment: This sequence change replaces arginine, which is basic and polar, with histidine, which is basic and polar, at codon 912 of the SLC12A5 protein (p.Arg912His). This variant is present in population databases (rs764216462, gnomAD 0.004%). This variant has not been reported in the literature in individuals affected with SLC12A5-related conditions. ClinVar contains an entry for this variant (Variation ID: 1417743). Advanced modeling of protein sequence and biophysical properties (such as structural, functional, and spatial information, amino acid conservation, physicochemical variation, residue mobility, and thermodynamic stability) performed at Invitae indicates that this missense variant is expected to disrupt SLC12A5 protein function with a positive predictive value of 80%. In summary, the available evidence is currently insufficient to determine the role of this variant in disease. Therefore, it has been classified as a Variant of Uncertain Significance.

CeGaT Center for Human Genetics Tuebingen
Classification: Uncertain significance. Last evaluated: 2022-10-01. Review status: criteria provided, single submitter. Criteria: CeGaT Center For Human Genetics Tuebingen Variant Classification Criteria Version 2. Collection method: clinical testing. Allele origin: germline. Affected: yes. Observed: 1 variant allele.

Fulgent Genetics
Classification: Uncertain significance for Developmental and epileptic encephalopathy, 34; Epilepsy, idiopathic generalized, susceptibility to, 14. Last evaluated: 2022-05-26. Review status: criteria provided, single submitter. Criteria: ACMG Guidelines, 2015. Collection method: clinical testing. Allele origin: unknown.